The following is an entry in ClinVar:

NM_000256.3(MYBPC3):c.3796T>C (p.Cys1266Arg)

Gene: MYBPC3 (myosin binding protein C3; minus strand). Cytogenetic location: 11p11.2.
Variant type: single nucleotide variant.
Coding change: c.3796T>C on transcript NM_000256.3 (MANE Select); coding-DNA position 3796, T replaced by C.
Protein change: p.Cys1266Arg; replaces cysteine 1266 with arginine.
Molecular consequence: missense variant.
Genome position (GRCh38, 1-based): chr11:47,332,090, A>G on the plus strand (T>C on the coding strand, the complement: MYBPC3 is on the minus strand). VCF-style: chr11-47332090-A-G. GRCh37 (hg19) VCF-style: chr11-47353641-A-G.
Other names: p.C1266R:TGC>CGC; c.3796T>C, p.Cys1266Arg (LRG_386t1); short protein forms C1266R.
Identifiers: ClinVar variation 181028 (VCV000181028.7), dbSNP rs730880608, ClinGen allele CA014917.

ClinVar aggregate classification (germline): Uncertain significance. Review status: criteria provided, multiple submitters, no conflicts (2 of 4 stars). 2 submissions from 2 submitters: Uncertain significance (2). Last evaluated 2025-11-12.

Conditions:
Cardiovascular phenotype. Identifiers: MedGen CN230736.

Submissions (2):

Ambry Genetics
Classification: Uncertain significance for Cardiovascular phenotype. Last evaluated: 2025-11-12. Review status: criteria provided, single submitter. Criteria: Ambry Variant Classification Scheme 2023. Collection method: clinical testing. Allele origin: germline.
Comment: The p.C1266R variant (also known as c.3796T>C), located in coding exon 33 of the MYBPC3 gene, results from a T to C substitution at nucleotide position 3796. The cysteine at codon 1266 is replaced by arginine, an amino acid with highly dissimilar properties. This variant has been detected in conjunction with a different alteration in MYBPC3 in a patient with hypertrophic cardiomyopathy (HCM) (Maron BJ et al. Heart Rhythm. 2012 Jan;9:57-63). Other alterations involving the same amino acid, including p.C1266Y (c.3797G>A) and p.C1266W (c.3798C>G), also have been reported in HCM cohorts; however, clinical details were limited (Page SP et al. Circ Cardiovasc Genet. 2012 Apr;5:156-66; Lopes LR et al. Heart, 2015 Feb;101:294-301; Walsh R et al. Genet. Med., 2017 02;19:192-203). This amino acid position is highly conserved in available vertebrate species. In addition, this alteration is predicted to be deleterious by in silico analysis. Since supporting evidence is limited at this time, the clinical significance of this alteration remains unclear.

GeneDx
Classification: Uncertain significance. Last evaluated: 2015-11-24. Review status: criteria provided, single submitter. Criteria: GeneDx Variant Classification (06012015). Collection method: clinical testing. Allele origin: germline. Affected: yes.
Comment: Maron et al. (2012) reported this mutation was not observed in 300 unrelated healthy, ethnically-matched chromosomes. Furthermore, the C1266R mutation was not observed in approximately 6,000 individuals of European and African American ancestry in the NHLBI Exome Sequencing Project, indicating it is not a common benign variant in these populations. C1266R results in a non-conservative amino acid substitution, which is likely to impact secondary protein structure as these residues differ in polarity, charge, size and/or other properties. A mutation in the same residue (C1266Y) and mutations in nearby residues (G1260D, C1264F, E1265V, L1268Q) have been reported in association with cardiomyopathy, further supporting the functional importance of this residue and region of the protein. The variant is found in HCM panel(s).

Literature cited by the submitters: PubMed 21839045 (cited by Ambry Genetics); PubMed 22267749 (cited by Ambry Genetics); PubMed 25335496 (cited by Ambry Genetics); PubMed 25351510 (cited by Ambry Genetics); PubMed 27532257 (cited by Ambry Genetics).